The following is an entry in ClinVar:

ClinVar aggregate classification (germline): Uncertain significance (1 of 4 stars; one submission).

Submission:

Labcorp Genetics (formerly Invitae), Labcorp
Classification: Uncertain significance. Last evaluated: 2022-09-12. Review status: criteria provided, single submitter. Criteria: Invitae Variant Classification Sherloc (09022015). Collection method: clinical testing. Allele origin: germline.
Comment: This variant is not present in population databases (gnomAD no frequency). This variant has not been reported in the literature in individuals affected with AHR-related conditions. Experimental studies and prediction algorithms are not available or were not evaluated, and the functional significance of this variant is currently unknown. In summary, the available evidence is currently insufficient to determine the role of this variant in disease. Therefore, it has been classified as a Variant of Uncertain Significance. This variant, c.2208_2210del, results in the deletion of 1 amino acid(s) of the AHR protein (p.Glu736del), but otherwise preserves the integrity of the reading frame.

NM_001621.5(AHR):c.2205AGA[1] (p.Glu736del)

Gene: AHR (aryl hydrocarbon receptor; plus strand). Cytogenetic location: 7p21.1.
Variant type: Microsatellite.
Coding change: c.2205AGA[1] on transcript NM_001621.5 (MANE Select); one copy of the 3-base unit AGA starting at c.2205; the reference has two copies in a row; one copy, 3 bases deleted.
Protein change: p.Glu736del; deletes glutamic acid 736.
Molecular consequence: inframe deletion.
Genome position (GRCh38, 1-based): chr7:17,340,033-17,340,035, AGA deleted; deleting any 3 consecutive bases within chr7:17,340,030-17,340,035 gives the same sequence; the position shown is the placement nearest the transcript's 3' end. VCF-style (leftmost placement, unchanged base first): chr7-17340029-TAGA-T. GRCh37 (hg19) VCF-style: chr7-17379653-TAGA-T.
Other names: short protein forms E736del.
Identifiers: ClinVar variation 1404527 (VCV001404527.6), dbSNP rs1782402493, ClinGen allele CA1691324065.